The following is an entry in ClinVar:

ClinVar aggregate classification (germline): Uncertain significance (1 of 4 stars; one submission).

Conditions:
Hereditary pancreatitis (PCTT). Also called: Hereditary chronic pancreatitis; PRSS1-Related Hereditary Pancreatitis. Identifiers: Orphanet 676, MedGen C0238339, MONDO:0008185, OMIM 167800.

Submission:

Ambry Genetics
Classification: Uncertain significance for Hereditary pancreatitis. Last evaluated: 2025-08-29. Review status: criteria provided, single submitter. Criteria: Ambry Variant Classification Scheme 2023. Collection method: clinical testing. Allele origin: germline.
Comment: The p.D92E variant (also known as c.276C>G), located in coding exon 3 of the CPA1 gene, results from a C to G substitution at nucleotide position 276. The aspartic acid at codon 92 is replaced by glutamic acid, an amino acid with highly similar properties. This amino acid position is conserved. In addition, this alteration is predicted to be tolerated by in silico analysis. Based on the available evidence, the clinical significance of this variant remains unclear.

NM_001868.4(CPA1):c.276C>G (p.Asp92Glu)

Gene: CPA1 (carboxypeptidase A1; plus strand). Cytogenetic location: 7q32.2.
Variant type: single nucleotide variant.
Coding change: c.276C>G on transcript NM_001868.4 (MANE Select); coding-DNA position 276, C replaced by G.
Protein change: p.Asp92Glu; replaces aspartic acid 92 with glutamic acid.
Molecular consequence: missense variant.
Genome position (GRCh38, 1-based): chr7:130,381,758, C>G. VCF-style: chr7-130381758-C-G. GRCh37 (hg19) VCF-style: chr7-130021599-C-G.
Other names: short protein forms D92E.
Identifiers: ClinVar variation 4233104 (VCV004233104.1).